The following is an entry in ClinVar:

ClinVar aggregate classification (germline): Likely benign (0 of 4 stars; one submission).

Conditions:
NNT-related disorder. Also called: NNT-related condition.

Allele frequency attached by ClinVar (database versions not stated): ExAC 0.00002; gnomAD exomes 0.00003; TOPMed 0.00003; gnomAD 0.00005.

Submission:

PreventionGenetics, part of Exact Sciences
Classification: Likely benign for NNT-related condition. Last evaluated: 2019-05-02. Review status: no assertion criteria provided. Collection method: clinical testing. Allele origin: germline.
Comment: This variant is classified as likely benign based on ACMG/AMP sequence variant interpretation guidelines (Richards et al. 2015 PMID: 25741868, with internal and published modifications).

NM_182977.3(NNT):c.1607-7T>A

Gene: NNT (nicotinamide nucleotide transhydrogenase; plus strand). Cytogenetic location: 5p12.
Variant type: single nucleotide variant.
Coding change: c.1607-7T>A on transcript NM_182977.3 (MANE Select); 7 bases into the intron before coding-DNA position 1607, T replaced by A.
Molecular consequence: intron variant.
Genome position (GRCh38, 1-based): chr5:43,650,470, T>A. VCF-style: chr5-43650470-T-A. GRCh37 (hg19) VCF-style: chr5-43650572-T-A.
Other names: c.1607-7T>A (NM_012343.4); c.1214-7T>A (NM_001331026.2).
Identifiers: ClinVar variation 3037967 (VCV003037967.2), dbSNP rs775846521, ClinGen allele CA3258027.
Genomic context (GRCh38, chr5:43,650,470, plus strand): 5'-TTCAGCTATGATATTTGATTTGGTGGTGTCACTATCACTATTAACCATGTTAATGCTTTC[T>A]TTCTAGGGCTGACTGCAGTTGGTGGGTTGGCACTGATGGGAGGACATTTGTATCCTTCCA-3'